The following is an entry in ClinVar:

NM_002474.3(MYH11):c.3874G>T (p.Val1292Phe)

Genes: MYH11 (myosin heavy chain 11; minus strand), NDE1 (nudE neurodevelopment protein 1; plus strand). Cytogenetic location: 16p13.11.
Variant type: single nucleotide variant.
Coding change: c.3874G>T on transcript NM_002474.3 (MANE Select); coding-DNA position 3874, G replaced by T.
Protein change: p.Val1292Phe; replaces valine 1292 with phenylalanine.
Molecular consequence: missense variant. On other transcripts: 3 prime UTR variant (2).
Genome position (GRCh38, 1-based): chr16:15,724,977, C>A on the plus strand (G>T on the coding strand, the complement: MYH11 is on the minus strand). VCF-style: chr16-15724977-C-A. GRCh37 (hg19) VCF-style: chr16-15818834-C-A.
Other names: c.3895G>T (NM_001040113.1); c.3895G>T, p.Val1299Phe (NM_001040113.2, NM_001040114.2); c.3874G>T, p.Val1292Phe (NM_022844.3); c.*726C>A (NM_001143979.2, NM_017668.3); short protein forms V1292F, V1299F.
Identifiers: ClinVar variation 1735740 (VCV001735740.3), dbSNP rs151058774, ClinGen allele CA7921848.
Genomic context (GRCh38, chr16:15,724,977, plus strand): 5'-ACGCCACGTCCTTGGCCAGCTTAATGGCCTTCCCCTCGGCCTCGTTAAGCATCCCTGTGA[C>A]GCTCTCAACTTCATTCTAAGGGTGCCAAGAGACTGGTTAGTCAAAGCCTCTAGAAGGGGA-3'
Protein context (NP_002465.1, residues 1282-1302): VHKLQNEVES[Val1292Phe]TGMLNEAEGK

ClinVar aggregate classification (germline): Uncertain significance. Review status: criteria provided, multiple submitters, no conflicts (2 of 4 stars). 2 submissions from 2 submitters: Uncertain significance (2). Last evaluated 2026-05-03.

Conditions:
MYH11-related disorder. Also called: MYH11-related condition.
Familial thoracic aortic aneurysm and aortic dissection (TAAD). Also called: Thoracic aortic aneurysms and dissections. Identifiers: Orphanet 91387, MedGen C4707243, MONDO:0019625.

gnomAD v4.1: 43 of 1,613,880 alleles (0.0027%); highest among the groups gnomAD compares: Non-Finnish European, 0.0036%; no homozygotes.

Submissions (2):

PreventionGenetics, part of Exact Sciences
Classification: Uncertain significance for MYH11-related condition. Last evaluated: 2026-05-03. Review status: criteria provided, single submitter. Criteria: ACMG Guidelines, 2015. Collection method: clinical testing. Allele origin: germline.
Comment: The MYH11 c.3895G>T variant is predicted to result in the amino acid substitution p.Val1299Phe. To our knowledge, this variant has not been reported in the literature. This variant is reported in 0.00088% of alleles in individuals of European (Non-Finnish) descent in gnomAD. At this time, the clinical significance of this variant is uncertain due to the absence of conclusive functional and genetic evidence.

Ambry Genetics
Classification: Uncertain significance for Familial thoracic aortic aneurysm and aortic dissection. Last evaluated: 2021-09-21. Review status: criteria provided, single submitter. Criteria: Ambry Variant Classification Scheme 2023. Collection method: clinical testing. Allele origin: germline.
Comment: The p.V1292F variant (also known as c.3874G>T), located in coding exon 28 of the MYH11 gene, results from a G to T substitution at nucleotide position 3874. The valine at codon 1292 is replaced by phenylalanine, an amino acid with highly similar properties. This amino acid position is conserved. In addition, this alteration is predicted to be deleterious by in silico analysis. Since supporting evidence is limited at this time, the clinical significance of this alteration remains unclear.